The following is an entry in ClinVar:

NM_000275.3(OCA2):c.1952-19T>G

Gene: OCA2 (OCA2 melanosomal transmembrane protein; minus strand). Cytogenetic location: 15q13.1.
Variant type: single nucleotide variant.
Coding change: c.1952-19T>G on transcript NM_000275.3 (MANE Select); 19 bases into the intron before coding-DNA position 1952, T replaced by G.
Molecular consequence: intron variant.
Genome position (GRCh38, 1-based): chr15:27,926,273, A>C on the plus strand (T>G on the coding strand, the complement: OCA2 is on the minus strand). VCF-style: chr15-27926273-A-C. GRCh37 (hg19) VCF-style: chr15-28171419-A-C.
Other names: c.1880-19T>G (NM_001300984.2).
Identifiers: ClinVar variation 2129674 (VCV002129674.4), dbSNP rs746609049, ClinGen allele CA2580089212.

ClinVar aggregate classification (germline): Uncertain significance (1 of 4 stars; one submission).

Submission:

Labcorp Genetics (formerly Invitae), Labcorp
Classification: Uncertain significance. Last evaluated: 2023-10-13. Review status: criteria provided, single submitter. Criteria: Invitae Variant Classification Sherloc (09022015). Collection method: clinical testing. Allele origin: germline.
Comment: This sequence change falls in intron 18 of the OCA2 gene. It does not directly change the encoded amino acid sequence of the OCA2 protein. This variant is not present in population databases (gnomAD no frequency). This variant has not been reported in the literature in individuals affected with OCA2-related conditions. ClinVar contains an entry for this variant (Variation ID: 2129674). Algorithms developed to predict the effect of sequence changes on RNA splicing suggest that this variant may disrupt the consensus splice site. In summary, the available evidence is currently insufficient to determine the role of this variant in disease. Therefore, it has been classified as a Variant of Uncertain Significance.